The following is an entry in ClinVar:

ClinVar aggregate classification (germline): Likely benign (1 of 4 stars; one submission).

gnomAD v4.1: 8 of 1,614,174 alleles (0.0005%); highest among the groups gnomAD compares: Non-Finnish European, 0.00059%; no homozygotes.

Submission:

CeGaT Center for Human Genetics Tuebingen
Classification: Likely benign. Last evaluated: 2026-02-01. Review status: criteria provided, single submitter. Criteria: CeGaT Center For Human Genetics Tuebingen Variant Classification Criteria Version 2. Collection method: clinical testing. Allele origin: germline. Affected: yes. Observed: 1 variant allele.
Comment: SRRM2: BP4, BP7

NM_016333.4(SRRM2):c.2166C>T (p.Gly722=)

Gene: SRRM2 (serine/arginine repetitive matrix 2; plus strand). Cytogenetic location: 16p13.3.
Variant type: single nucleotide variant.
Coding change: c.2166C>T on transcript NM_016333.4 (MANE Select); coding-DNA position 2166, C replaced by T.
Protein change: p.Gly722=; no amino-acid change (glycine 722 retained).
Molecular consequence: synonymous variant.
Genome position (GRCh38, 1-based): chr16:2,762,694, C>T. VCF-style: chr16-2762694-C-T. GRCh37 (hg19) VCF-style: chr16-2812695-C-T.
Identifiers: ClinVar variation 4820968 (VCV004820968.4).